The following is an entry in ClinVar:

NM_017721.5(CC2D1A):c.1388C>T (p.Pro463Leu)

Gene: CC2D1A (coiled-coil and C2 domain containing 1A; plus strand). Cytogenetic location: 19p13.12.
Variant type: single nucleotide variant.
Coding change: c.1388C>T on transcript NM_017721.5 (MANE Select); coding-DNA position 1388, C replaced by T.
Protein change: p.Pro463Leu; replaces proline 463 with leucine.
Molecular consequence: missense variant.
Genome position (GRCh38, 1-based): chr19:13,920,588, C>T. VCF-style: chr19-13920588-C-T. GRCh37 (hg19) VCF-style: chr19-14031401-C-T.
Other names: short protein forms P463L.
Identifiers: ClinVar variation 210592 (VCV000210592.26), dbSNP rs369094911, ClinGen allele CA205906.

ClinVar aggregate classification (germline): Uncertain significance. Review status: criteria provided, multiple submitters, no conflicts (2 of 4 stars). 3 submissions from 3 submitters: Uncertain significance (3). Last evaluated 2024-08-01.

Conditions:
Inborn genetic diseases. Identifiers: MedGen C0950123, MeSH D030342.

Allele frequency attached by ClinVar (database versions not stated): ESP Exome Variant Server 0.00025; gnomAD 0.00001; TOPMed 0.00002; gnomAD exomes 0.00004; ExAC 0.00009.
gnomAD v4.1: 73 of 1,608,504 alleles (0.0045%); highest among the groups gnomAD compares: Non-Finnish European, 0.006%; no homozygotes.

Submissions (3):

CeGaT Center for Human Genetics Tuebingen
Classification: Uncertain significance. Last evaluated: 2024-08-01. Review status: criteria provided, single submitter. Criteria: CeGaT Center For Human Genetics Tuebingen Variant Classification Criteria Version 2. Collection method: clinical testing. Allele origin: germline. Affected: yes. Observed: 1 variant allele.
Comment: CC2D1A: PM2, BP4

Ambry Genetics
Classification: Uncertain significance for Inborn genetic diseases. Last evaluated: 2017-05-30. Review status: criteria provided, single submitter. Criteria: Ambry Variant Classification Scheme 2023. Collection method: clinical testing. Allele origin: germline.
Comment: The p.P463L variant (also known as c.1388C>T), located in coding exon 13 of the CC2D1A gene, results from a C to T substitution at nucleotide position 1388. The proline at codon 463 is replaced by leucine, an amino acid with similar properties. This amino acid position is not well conserved in available vertebrate species, and leucine is the reference amino acid in other vertebrate species. In addition, this alteration is predicted to be tolerated by in silico analysis. Since supporting evidence is limited at this time, the clinical significance of this alteration remains unclear.

Genetic Services Laboratory, University of Chicago
Classification: Uncertain significance. Last evaluated: 2014-12-01. Review status: criteria provided, single submitter. Criteria: ACMG Guidelines, 2015. Collection method: clinical testing. Allele origin: germline.